The following is an entry in ClinVar:

NM_001322934.2(NFKB2):c.2081T>G (p.Ile694Ser)

Gene: NFKB2 (nuclear factor kappa B subunit 2; plus strand). Cytogenetic location: 10q24.32.
Variant type: single nucleotide variant.
Coding change: c.2081T>G on transcript NM_001322934.2 (MANE Select); coding-DNA position 2081, T replaced by G.
Protein change: p.Ile694Ser; replaces isoleucine 694 with serine.
Molecular consequence: missense variant.
Genome position (GRCh38, 1-based): chr10:102,401,189, T>G. VCF-style: chr10-102401189-T-G. GRCh37 (hg19) VCF-style: chr10-104160946-T-G.
Other names: c.2081T>G, p.Ile694Ser (NM_001077494.3, NM_001261403.3, NM_001288724.1 and 1 more transcripts); c.1955T>G, p.Ile652Ser (NM_001322935.1); short protein forms I694S, I652S.
Identifiers: ClinVar variation 3646028 (VCV003646028.2).

ClinVar aggregate classification (germline): Uncertain significance (1 of 4 stars; one submission).

Conditions:
Immunodeficiency, common variable, 10. Also called: IMMUNODEFICIENCY, COMMON VARIABLE, WITH CENTRAL ADRENAL INSUFFICIENCY; DEFICIT IN ANTERIOR PITUITARY FUNCTION AND VARIABLE IMMUNODEFICIENCY. Identifiers: MedGen C3809991, MONDO:0014260, OMIM 615577.

Submission:

Labcorp Genetics (formerly Invitae), Labcorp
Classification: Uncertain significance for Immunodeficiency, common variable, 10. Last evaluated: 2024-03-14. Review status: criteria provided, single submitter. Criteria: Invitae Variant Classification Sherloc (09022015). Collection method: clinical testing. Allele origin: germline.
Comment: This sequence change replaces isoleucine, which is neutral and non-polar, with serine, which is neutral and polar, at codon 694 of the NFKB2 protein (p.Ile694Ser). This variant is not present in population databases (gnomAD no frequency). This variant has not been reported in the literature in individuals affected with NFKB2-related conditions. An algorithm developed to predict the effect of missense changes on protein structure and function (PolyPhen-2) suggests that this variant is likely to be tolerated. In summary, the available evidence is currently insufficient to determine the role of this variant in disease. Therefore, it has been classified as a Variant of Uncertain Significance.